The following is an entry in ClinVar:

ClinVar aggregate classification (germline): Uncertain significance (1 of 4 stars; one submission).

gnomAD v4.1: 3 of 1,614,026 alleles (0.00019%); highest among the groups gnomAD compares: Non-Finnish European, 0.00017%; no homozygotes.

Submission:

Labcorp Genetics (formerly Invitae), Labcorp
Classification: Uncertain significance. Last evaluated: 2025-02-04. Review status: criteria provided, single submitter. Criteria: Invitae Variant Classification Sherloc (09022015). Collection method: clinical testing. Allele origin: germline.
Comment: This sequence change replaces threonine, which is neutral and polar, with asparagine, which is neutral and polar, at codon 581 of the SOX6 protein (p.Thr581Asn). This variant is not present in population databases (gnomAD no frequency). This variant has not been reported in the literature in individuals affected with SOX6-related conditions. Invitae Evidence Modeling of protein sequence and biophysical properties (such as structural, functional, and spatial information, amino acid conservation, physicochemical variation, residue mobility, and thermodynamic stability) indicates that this missense variant is not expected to disrupt SOX6 protein function with a negative predictive value of 80%. In summary, the available evidence is currently insufficient to determine the role of this variant in disease. Therefore, it has been classified as a Variant of Uncertain Significance.

NM_001367873.1(SOX6):c.1802C>A (p.Thr601Asn)

Gene: SOX6 (SRY-box transcription factor 6; minus strand). Cytogenetic location: 11p15.2.
Variant type: single nucleotide variant.
Coding change: c.1802C>A on transcript NM_001367873.1 (MANE Select); coding-DNA position 1802, C replaced by A.
Protein change: p.Thr601Asn; replaces threonine 601 with asparagine.
Molecular consequence: missense variant.
Genome position (GRCh38, 1-based): chr11:15,989,161, G>T on the plus strand (C>A on the coding strand, the complement: SOX6 is on the minus strand). VCF-style: chr11-15989161-G-T. GRCh37 (hg19) VCF-style: chr11-16010707-G-T.
Other names: c.1721C>A, p.Thr574Asn (NM_001145811.2, NM_017508.3); c.1802C>A, p.Thr601Asn (NM_001145819.2); c.1679C>A, p.Thr560Asn (NM_001367872.1); c.1742C>A, p.Thr581Asn (NM_033326.3); short protein forms T560N, T574N, T581N, T601N.
Identifiers: ClinVar variation 4702792 (VCV004702792.1).